The following is an entry in ClinVar:

ClinVar aggregate classification (germline): Uncertain significance (1 of 4 stars; one submission).

Conditions:
Primary ciliary dyskinesia. Also called: Ciliary dyskinesia. Identifiers: Orphanet 244, MedGen C0008780, MONDO:0016575, HP:0012265.

gnomAD v4.1: 1 of 1,614,152 alleles (0.000062%); no homozygotes.

Submission:

Labcorp Genetics (formerly Invitae), Labcorp
Classification: Uncertain significance for Primary ciliary dyskinesia. Last evaluated: 2024-03-01. Review status: criteria provided, single submitter. Criteria: Invitae Variant Classification Sherloc (09022015). Collection method: clinical testing. Allele origin: germline.
Comment: This sequence change replaces isoleucine, which is neutral and non-polar, with leucine, which is neutral and non-polar, at codon 114 of the ZMYND10 protein (p.Ile114Leu). This variant is not present in population databases (gnomAD no frequency). This variant has not been reported in the literature in individuals affected with ZMYND10-related conditions. Advanced modeling of protein sequence and biophysical properties (such as structural, functional, and spatial information, amino acid conservation, physicochemical variation, residue mobility, and thermodynamic stability) performed at Invitae indicates that this missense variant is not expected to disrupt ZMYND10 protein function with a negative predictive value of 80%. In summary, the available evidence is currently insufficient to determine the role of this variant in disease. Therefore, it has been classified as a Variant of Uncertain Significance.

NM_015896.4(ZMYND10):c.340A>C (p.Ile114Leu)

Gene: ZMYND10 (zinc finger MYND-type containing 10; minus strand). Cytogenetic location: 3p21.31.
Variant type: single nucleotide variant.
Coding change: c.340A>C on transcript NM_015896.4 (MANE Select); coding-DNA position 340, A replaced by C.
Protein change: p.Ile114Leu; replaces isoleucine 114 with leucine.
Molecular consequence: missense variant.
Genome position (GRCh38, 1-based): chr3:50,343,595, T>G on the plus strand (A>C on the coding strand, the complement: ZMYND10 is on the minus strand). VCF-style: chr3-50343595-T-G. GRCh37 (hg19) VCF-style: chr3-50381026-T-G.
Other names: c.340A>C, p.Ile114Leu (NM_001308379.2); short protein forms I114L.
Identifiers: ClinVar variation 3615399 (VCV003615399.2).